The following is an entry in ClinVar:

ClinVar aggregate classification (germline): Uncertain significance (1 of 4 stars; one submission).

Conditions:
Leber congenital amaurosis 1 (LCA1). Also called: Congenital absence of the rods and cones; Leber's congenital tapetoretinal degeneration; Leber's congenital tapetoretinal dysplasia; RETINAL BLINDNESS, CONGENITAL; AMAUROSIS CONGENITA OF LEBER I. Identifiers: Orphanet 65, MedGen C2931258, MONDO:0008764, OMIM 204000.
Cone-rod dystrophy 6 (CORD6). Also called: Cone dystrophy progressive; RETINAL CONE DYSTROPHY 2. Identifiers: Orphanet 1872, MedGen C1866293, MONDO:0011143, OMIM 601777.

gnomAD v4.1: 3 of 1,611,906 alleles (0.00019%); highest among the groups gnomAD compares: Non-Finnish European, 0.00025%; no homozygotes.

Submission:

Labcorp Genetics (formerly Invitae), Labcorp
Classification: Uncertain significance for Leber congenital amaurosis 1; Cone-rod dystrophy 6. Last evaluated: 2022-07-19. Review status: criteria provided, single submitter. Criteria: Invitae Variant Classification Sherloc (09022015). Collection method: clinical testing. Allele origin: germline.
Comment: In summary, the available evidence is currently insufficient to determine the role of this variant in disease. Therefore, it has been classified as a Variant of Uncertain Significance. Algorithms developed to predict the effect of missense changes on protein structure and function (SIFT, PolyPhen-2, Align-GVGD) all suggest that this variant is likely to be disruptive. ClinVar contains an entry for this variant (Variation ID: 1371203). This variant has not been reported in the literature in individuals affected with GUCY2D-related conditions. This variant is not present in population databases (gnomAD no frequency). This sequence change replaces glycine, which is neutral and non-polar, with aspartic acid, which is acidic and polar, at codon 978 of the GUCY2D protein (p.Gly978Asp).

NM_000180.4(GUCY2D):c.2933G>A (p.Gly978Asp)

Gene: GUCY2D (guanylate cyclase 2D, retinal; plus strand). Cytogenetic location: 17p13.1.
Variant type: single nucleotide variant.
Coding change: c.2933G>A on transcript NM_000180.4 (MANE Select); coding-DNA position 2933, G replaced by A.
Protein change: p.Gly978Asp; replaces glycine 978 with aspartic acid.
Molecular consequence: missense variant.
Genome position (GRCh38, 1-based): chr17:8,015,491, G>A. VCF-style: chr17-8015491-G-A. GRCh37 (hg19) VCF-style: chr17-7918809-G-A.
Other names: short protein forms G978D.
Identifiers: ClinVar variation 1371203 (VCV001371203.6), dbSNP rs754320374, ClinGen allele CA397954977.